The following is an entry in ClinVar:

ClinVar aggregate classification (germline): Likely benign. Review status: criteria provided, multiple submitters, no conflicts (2 of 4 stars). 2 submissions from 2 submitters: Likely benign (2). Last evaluated 2025-01-19.

Conditions:
Developmental and epileptic encephalopathy, 53. Also called: Epileptic encephalopathy, early infantile, 53. Identifiers: MedGen C4479313, MONDO:0033362, OMIM 617389.
Early-onset Parkinson disease 20. Also called: PARKINSON DISEASE 20, AUTOSOMAL RECESSIVE EARLY-ONSET. Identifiers: Orphanet 391411, MedGen C3809824, MONDO:0014233, OMIM 615530.

Allele frequency attached by ClinVar (database versions not stated): TOPMed below 0.00001; ExAC 0.00002; gnomAD exomes 0.00002.
gnomAD v4.1: 23 of 1,591,252 alleles (0.0014%); highest among the groups gnomAD compares: Non-Finnish European, 0.002%; no homozygotes.

Submissions (2):

Labcorp Genetics (formerly Invitae), Labcorp
Classification: Likely benign for Developmental and epileptic encephalopathy, 53; Early-onset Parkinson disease 20. Last evaluated: 2025-01-19. Review status: criteria provided, single submitter. Criteria: Invitae Variant Classification Sherloc (09022015). Collection method: clinical testing. Allele origin: germline.

CeGaT Center for Human Genetics Tuebingen
Classification: Likely benign. Last evaluated: 2023-05-01. Review status: criteria provided, single submitter. Criteria: CeGaT Center For Human Genetics Tuebingen Variant Classification Criteria Version 2. Collection method: clinical testing. Allele origin: germline. Affected: yes. Observed: 2 variant alleles.
Comment: SYNJ1: BP4, BP7

NM_203446.3(SYNJ1):c.1959T>G (p.Val653=)

Gene: SYNJ1 (synaptojanin 1; minus strand). Cytogenetic location: 21q22.11.
Variant type: single nucleotide variant.
Coding change: c.1959T>G on transcript NM_203446.3 (MANE Select); coding-DNA position 1959, T replaced by G.
Protein change: p.Val653=; no amino-acid change (valine 653 retained).
Molecular consequence: synonymous variant.
Genome position (GRCh38, 1-based): chr21:32,666,129, A>C on the plus strand (T>G on the coding strand, the complement: SYNJ1 is on the minus strand). VCF-style: chr21-32666129-A-C. GRCh37 (hg19) VCF-style: chr21-34038439-A-C.
Other names: c.1959T>G, p.Val653= (NM_001160302.2); c.1944T>G, p.Val648= (NM_001160306.2); c.2076T>G, p.Val692= (NM_003895.4).
Identifiers: ClinVar variation 1596871 (VCV001596871.32), dbSNP rs747138067, ClinGen allele CA10003759.